The following is an entry in ClinVar:

ClinVar aggregate classification (germline): Uncertain significance (1 of 4 stars; one submission).

Conditions:
DICER1-related tumor predisposition. Also called: DICER1 syndrome; DICER1-related pleuropulmonary blastoma cancer predisposition syndrome. Identifiers: Orphanet 284343, MedGen C3839822, MONDO:0100216.

Submission:

Labcorp Genetics (formerly Invitae), Labcorp
Classification: Uncertain significance for DICER1-related tumor predisposition. Last evaluated: 2022-02-19. Review status: criteria provided, single submitter. Criteria: Invitae Variant Classification Sherloc (09022015). Collection method: clinical testing. Allele origin: germline.
Comment: This variant has not been reported in the literature in individuals affected with DICER1-related conditions. This variant is not present in population databases (gnomAD no frequency). This sequence change replaces leucine, which is neutral and non-polar, with phenylalanine, which is neutral and non-polar, at codon 1014 of the DICER1 protein (p.Leu1014Phe). Algorithms developed to predict the effect of missense changes on protein structure and function are either unavailable or do not agree on the potential impact of this missense change (SIFT: "Tolerated"; PolyPhen-2: "Probably Damaging"; Align-GVGD: "Class C0"). In summary, the available evidence is currently insufficient to determine the role of this variant in disease. Therefore, it has been classified as a Variant of Uncertain Significance.

NM_177438.3(DICER1):c.3042A>T (p.Leu1014Phe)

Gene: DICER1 (dicer 1, ribonuclease III; minus strand). Cytogenetic location: 14q32.13.
Variant type: single nucleotide variant.
Coding change: c.3042A>T on transcript NM_177438.3 (MANE Select); coding-DNA position 3042, A replaced by T.
Protein change: p.Leu1014Phe; replaces leucine 1014 with phenylalanine.
Molecular consequence: missense variant. On other transcripts: non-coding transcript variant (6).
Genome position (GRCh38, 1-based): chr14:95,105,729, T>A on the plus strand (A>T on the coding strand, the complement: DICER1 is on the minus strand). VCF-style: chr14-95105729-T-A. GRCh37 (hg19) VCF-style: chr14-95572066-T-A.
Other names: c.3042A>T, p.Leu1014Phe (NM_001195573.1, NM_001271282.3, NM_001291628.2 and 13 more transcripts); c.2760A>T, p.Leu920Phe (NM_001395686.1); c.2637A>T, p.Leu879Phe (NM_001395687.1, NM_001395688.1, NM_001395689.1 and 2 more transcripts); c.2475A>T, p.Leu825Phe (NM_001395691.1); c.1359A>T, p.Leu453Phe (NM_001395697.1); short protein forms L920F, L1014F, L453F, L825F, L879F.
Identifiers: ClinVar variation 2099297 (VCV002099297.4), dbSNP rs1555370186, ClinGen allele CA390878267.